The following is an entry in ClinVar:

NM_014714.4(IFT140):c.2886G>A (p.Ala962=)

Genes: IFT140 (intraflagellar transport 140; minus strand), LOC126862260 (CDK7 strongly-dependent group 2 enhancer GRCh37_chr16:1574508-1575707; plus strand). Cytogenetic location: 16p13.3.
Variant type: single nucleotide variant.
Coding change: c.2886G>A on transcript NM_014714.4 (MANE Select); coding-DNA position 2886, G replaced by A.
Protein change: p.Ala962=; no amino-acid change (alanine 962 retained).
Molecular consequence: synonymous variant.
Genome position (GRCh38, 1-based): chr16:1,524,895, C>T on the plus strand (G>A on the coding strand, the complement: IFT140 is on the minus strand). VCF-style: chr16-1524895-C-T. GRCh37 (hg19) VCF-style: chr16-1574896-C-T.
Identifiers: ClinVar variation 772593 (VCV000772593.18), dbSNP rs201150342, ClinGen allele CA7813431.

ClinVar aggregate classification (germline): Likely benign. Review status: criteria provided, multiple submitters, no conflicts (2 of 4 stars). 5 submissions from 5 submitters: Likely benign (4). 1 of the submissions does not count toward it. Last evaluated 2026-03-01.

Conditions:
Retinitis pigmentosa 80 (RP80). Identifiers: MedGen C4540439, MONDO:0054708, OMIM 617781.
Saldino-Mainzer syndrome (SRTD9). Also called: SHORT-RIB THORACIC DYSPLASIA 9 WITHOUT POLYDACTYLY; CONORENAL SYNDROME; short-rib thoracic dysplasia 9 with or without polydactyly; Renal dysplasia, retinal pigmentary dystrophy, cerebellar ataxia and skeletal dysplasia. Identifiers: Orphanet 140969, MedGen C1849437, MONDO:0009964, OMIM 266920.
IFT140-related disorder. Also called: IFT140-related condition.

Allele frequency attached by ClinVar (database versions not stated): ESP Exome Variant Server 0.00008; ExAC 0.00012; gnomAD 0.00013; gnomAD exomes 0.00016; TOPMed 0.00028; 1000 Genomes Project 30x 0.00031; 1000 Genomes Project 0.00040.
gnomAD v4.1: 197 of 1,608,244 alleles (0.012%); highest among the groups gnomAD compares: Admixed American, 0.12%; no homozygotes.

Submissions (5):

CeGaT Center for Human Genetics Tuebingen
Classification: Likely benign. Last evaluated: 2026-03-01. Review status: criteria provided, single submitter. Criteria: CeGaT Center For Human Genetics Tuebingen Variant Classification Criteria Version 2. Collection method: clinical testing. Allele origin: germline. Affected: yes. Observed: 1 variant allele.
Comment: IFT140: BP4, BP7

Labcorp Genetics (formerly Invitae), Labcorp
Classification: Likely benign for Saldino-Mainzer syndrome. Last evaluated: 2026-01-24. Review status: criteria provided, single submitter. Criteria: Invitae Variant Classification Sherloc (09022015). Collection method: clinical testing. Allele origin: germline.

Blueprint Genetics
Classification: Likely benign. Last evaluated: 2024-08-16. Review status: criteria provided, single submitter. Criteria: ACMG Guidelines, 2015. Collection method: clinical testing. Allele origin: germline.

Fulgent Genetics
Classification: Likely benign for Saldino-Mainzer syndrome; Retinitis pigmentosa 80. Last evaluated: 2021-08-11. Review status: criteria provided, single submitter. Criteria: ACMG Guidelines, 2015. Collection method: clinical testing. Allele origin: unknown.

PreventionGenetics, part of Exact Sciences
Classification: Likely benign for IFT140-related condition. Last evaluated: 2019-10-18. Review status: no assertion criteria provided. Collection method: clinical testing. Allele origin: germline. Not counted in ClinVar's aggregate classification.
Comment: This variant is classified as likely benign based on ACMG/AMP sequence variant interpretation guidelines (Richards et al. 2015 PMID: 25741868, with internal and published modifications).